The following is an entry in ClinVar:

ClinVar aggregate classification (germline): Likely benign (1 of 4 stars; one submission).

Allele frequency attached by ClinVar (database versions not stated): 1000 Genomes Project 30x 0.00297; 1000 Genomes Project 0.00339; TOPMed 0.00467.
gnomAD v4.1: 678 of 152,364 alleles (0.44%); highest among the groups gnomAD compares: African/African-American, 1.5%; 5 homozygotes.

Submission:

GeneDx
Classification: Likely benign. Last evaluated: 2018-06-14. Review status: criteria provided, single submitter. Criteria: GeneDx Variant Classification (06012015). Collection method: clinical testing. Allele origin: germline. Affected: yes.
Comment: This variant is considered likely benign or benign based on one or more of the following criteria: it is a conservative change, it occurs at a poorly conserved position in the protein, it is predicted to be benign by multiple in silico algorithms, and/or has population frequency not consistent with disease.

NM_000548.5(TSC2):c.1839+269G>A

Gene: TSC2 (TSC complex subunit 2; plus strand). Cytogenetic location: 16p13.3.
Variant type: single nucleotide variant.
Coding change: c.1839+269G>A on transcript NM_000548.5 (MANE Select); 269 bases into the intron after coding-DNA position 1839, G replaced by A.
Molecular consequence: intron variant.
Genome position (GRCh38, 1-based): chr16:2,070,847, G>A. VCF-style: chr16-2070847-G-A. GRCh37 (hg19) VCF-style: chr16-2120848-G-A.
Other names: c.1839+269G>A (NM_001114382.3, NM_021055.3, NM_001370405.1 and 3 more transcripts); c.1728+269G>A (NM_001318827.2); c.1239+269G>A (NM_001318831.2); c.1692+269G>A (NM_001318829.2); c.1872+269G>A (NM_001318832.2).
Identifiers: ClinVar variation 672862 (VCV000672862.1), dbSNP rs116085243, ClinGen allele CA276736302.